The following is an entry in ClinVar:

ClinVar aggregate classification (germline): Conflicting classifications of pathogenicity. Review status: criteria provided, conflicting classifications (1 of 4 stars). 2 submissions from 2 submitters: Uncertain significance (1); Likely benign (1). Last evaluated 2025-06-12.

Allele frequency attached by ClinVar (database versions not stated): gnomAD exomes 0.00004; ExAC 0.00009; 1000 Genomes Project 30x 0.00016; 1000 Genomes Project 0.00020; ESP Exome Variant Server 0.00031; gnomAD 0.00045; TOPMed 0.00047.
gnomAD v4.1: 128 of 1,611,022 alleles (0.0079%); highest among the groups gnomAD compares: African/African-American, 0.13%; no homozygotes.

Submissions (2):

Labcorp Genetics (formerly Invitae), Labcorp
Classification: Likely benign. Last evaluated: 2025-06-12. Review status: criteria provided, single submitter. Criteria: Invitae Variant Classification Sherloc (09022015). Collection method: clinical testing. Allele origin: germline.

GeneDx
Classification: Uncertain significance. Last evaluated: 2024-12-13. Review status: criteria provided, single submitter. Criteria: GeneDx Variant Classification Process June 2021. Collection method: clinical testing. Allele origin: germline. Affected: yes.
Comment: In silico analysis indicates that this variant does not alter splicing; Has not been previously published as pathogenic or benign to our knowledge

NM_001370595.2(COA8):c.477-10T>C

Gene: COA8 (cytochrome c oxidase assembly factor 8; plus strand). Cytogenetic location: 14q32.33.
Variant type: single nucleotide variant.
Coding change: c.477-10T>C on transcript NM_001370595.2 (MANE Select); 10 bases into the intron before coding-DNA position 477, T replaced by C.
Molecular consequence: intron variant.
Genome position (GRCh38, 1-based): chr14:103,590,171, T>C. VCF-style: chr14-103590171-T-C. GRCh37 (hg19) VCF-style: chr14-104056508-T-C.
Other names: c.*31-10T>C (NM_001302653.2).
Identifiers: ClinVar variation 2200717 (VCV002200717.5), dbSNP rs375531411, ClinGen allele CA7365641.
Genomic context (GRCh38, chr14:103,590,171, plus strand): 5'-CTTCTGGGCCAGGGCACCAAGCCTCAGTCCCTGCCACCGTGTCACCTGTGCATCCTCTGT[T>C]TCTCTACAGAGATTGGTACAAGCGCAATTTTGCCATCACCTTCTTCATGGGAAAAGTGGC-3'